The following is an entry in ClinVar:

NM_001009944.3(PKD1):c.4938C>T (p.Thr1646=)

Gene: PKD1 (polycystin 1, transient receptor potential channel interacting; minus strand). Cytogenetic location: 16p13.3.
Variant type: single nucleotide variant.
Coding change: c.4938C>T on transcript NM_001009944.3 (MANE Select); coding-DNA position 4938, C replaced by T.
Protein change: p.Thr1646=; no amino-acid change (threonine 1646 retained).
Molecular consequence: synonymous variant.
Genome position (GRCh38, 1-based): chr16:2,110,229, G>A on the plus strand (C>T on the coding strand, the complement: PKD1 is on the minus strand). VCF-style: chr16-2110229-G-A. GRCh37 (hg19) VCF-style: chr16-2160230-G-A.
Other names: c.4938C>T, p.Thr1646= (NM_000296.4).
Identifiers: ClinVar variation 4993799 (VCV004993799.1).

ClinVar aggregate classification (germline): Likely benign (1 of 4 stars; one submission).

Conditions:
PKD1-related disorder. Also called: PKD1-related condition.

gnomAD v4.1: 1 of 1,612,130 alleles (0.000062%); highest among the groups gnomAD compares: African/African-American, 0.0013%; no homozygotes.

Submission:

PreventionGenetics, part of Exact Sciences
Classification: Likely benign for PKD1-related condition. Last evaluated: 2026-04-14. Review status: criteria provided, single submitter. Criteria: ACMG Guidelines, 2015. Collection method: clinical testing. Allele origin: germline.
Comment: This variant is classified as likely benign based on ACMG/AMP sequence variant interpretation guidelines (Richards et al. 2015 PMID: 25741868, with internal and published modifications).